The following is an entry in ClinVar:

NM_170606.3(KMT2C):c.3306A>G (p.Gln1102=)

Gene: KMT2C (lysine methyltransferase 2C; minus strand). Cytogenetic location: 7q36.1.
Variant type: single nucleotide variant.
Coding change: c.3306A>G on transcript NM_170606.3 (MANE Select); coding-DNA position 3306, A replaced by G.
Protein change: p.Gln1102=; no amino-acid change (glutamine 1102 retained).
Molecular consequence: synonymous variant.
Genome position (GRCh38, 1-based): chr7:152,224,032, T>C on the plus strand (A>G on the coding strand, the complement: KMT2C is on the minus strand). VCF-style: chr7-152224032-T-C. GRCh37 (hg19) VCF-style: chr7-151921117-T-C.
Other names: c.3306A>G (NM_170606.2).
Identifiers: ClinVar variation 2202279 (VCV002202279.29), dbSNP rs748385725, ClinGen allele CA4580880.

ClinVar aggregate classification (germline): Benign/Likely benign. Review status: criteria provided, multiple submitters, no conflicts (2 of 4 stars). 3 submissions from 3 submitters: Benign (2); Likely benign (1). Last evaluated 2024-01-04.

Conditions:
Inborn genetic diseases. Identifiers: MedGen C0950123, MeSH D030342.

Allele frequency attached by ClinVar (database versions not stated): TOPMed 0.00002; gnomAD 0.00003; gnomAD exomes 0.00003; ExAC 0.00007.
gnomAD v4.1: 46 of 1,610,100 alleles (0.0029%); highest among the groups gnomAD compares: East Asian, 0.051%; no homozygotes.

Submissions (3):

Ambry Genetics
Classification: Likely benign for Inborn genetic diseases. Last evaluated: 2024-01-04. Review status: criteria provided, single submitter. Criteria: Ambry Variant Classification Scheme 2023. Collection method: clinical testing. Allele origin: germline.

Labcorp Genetics (formerly Invitae), Labcorp
Classification: Benign. Last evaluated: 2022-08-27. Review status: criteria provided, single submitter. Criteria: Invitae Variant Classification Sherloc (09022015). Collection method: clinical testing. Allele origin: germline.

CeGaT Center for Human Genetics Tuebingen
Classification: Benign. Last evaluated: 2022-05-01. Review status: criteria provided, single submitter. Criteria: CeGaT Center For Human Genetics Tuebingen Variant Classification Criteria Version 2. Collection method: clinical testing. Allele origin: germline. Affected: yes. Observed: 1 variant allele.
Comment: KMT2C: BS1, BS2